The following is an entry in ClinVar:

NM_001853.4(COL9A3):c.1603+4A>T

Genes: COL9A3 (collagen type IX alpha 3 chain; plus strand), LOC126863084 (MED14-independent group 3 enhancer GRCh37_chr20:61467141-61468340; plus strand). Cytogenetic location: 20q13.33.
Variant type: single nucleotide variant.
Coding change: c.1603+4A>T on transcript NM_001853.4 (MANE Select); 4 bases into the intron after coding-DNA position 1603, A replaced by T.
Molecular consequence: intron variant.
Genome position (GRCh38, 1-based): chr20:62,836,536, A>T. VCF-style: chr20-62836536-A-T. GRCh37 (hg19) VCF-style: chr20-61467888-A-T.
Identifiers: ClinVar variation 1383017 (VCV001383017.6), dbSNP rs920303779, ClinGen allele CA317343463.

ClinVar aggregate classification (germline): Uncertain significance (1 of 4 stars; one submission).

Allele frequency attached by ClinVar (database versions not stated): TOPMed below 0.00001; gnomAD 0.00001.

Submission:

Labcorp Genetics (formerly Invitae), Labcorp
Classification: Uncertain significance. Last evaluated: 2025-12-01. Review status: criteria provided, single submitter. Criteria: Invitae Variant Classification Sherloc (09022015). Collection method: clinical testing. Allele origin: germline.
Comment: This sequence change falls in intron 29 of the COL9A3 gene. It does not directly change the encoded amino acid sequence of the COL9A3 protein. It affects a nucleotide within the consensus splice site. This variant is not present in population databases (gnomAD no frequency). This variant has not been reported in the literature in individuals affected with COL9A3-related conditions. ClinVar contains an entry for this variant (Variation ID: 1383017). Variants that disrupt the consensus splice site are a relatively common cause of aberrant splicing (PMID: 17576681, 9536098). Algorithms developed to predict the effect of sequence changes on RNA splicing suggest that this variant may disrupt the consensus splice site. In summary, the available evidence is currently insufficient to determine the role of this variant in disease. Therefore, it has been classified as a Variant of Uncertain Significance.

Literature cited by the submitters: PubMed 17576681; PubMed 9536098.